The following is an entry in ClinVar:

ClinVar aggregate classification (germline): Uncertain significance (1 of 4 stars; one submission).

Submission:

Labcorp Genetics (formerly Invitae), Labcorp
Classification: Uncertain significance. Last evaluated: 2022-05-21. Review status: criteria provided, single submitter. Criteria: Invitae Variant Classification Sherloc (09022015). Collection method: clinical testing. Allele origin: germline.
Comment: This variant has not been reported in the literature in individuals affected with CTNNA1-related conditions. This variant is not present in population databases (gnomAD no frequency). This sequence change replaces tyrosine, which is neutral and polar, with cysteine, which is neutral and slightly polar, at codon 419 of the CTNNA1 protein (p.Tyr419Cys). Algorithms developed to predict the effect of missense changes on protein structure and function are either unavailable or do not agree on the potential impact of this missense change (SIFT: "Deleterious"; PolyPhen-2: "Benign"; Align-GVGD: "Class C0"). In summary, the available evidence is currently insufficient to determine the role of this variant in disease. Therefore, it has been classified as a Variant of Uncertain Significance.

NM_001903.5(CTNNA1):c.1256A>G (p.Tyr419Cys)

Gene: CTNNA1 (catenin alpha 1; plus strand). Cytogenetic location: 5q31.2.
Variant type: single nucleotide variant.
Coding change: c.1256A>G on transcript NM_001903.5 (MANE Select); coding-DNA position 1256, A replaced by G.
Protein change: p.Tyr419Cys; replaces tyrosine 419 with cysteine.
Molecular consequence: missense variant. On other transcripts: 5 prime UTR variant (5), intron variant (2).
Genome position (GRCh38, 1-based): chr5:138,887,602, A>G. VCF-style: chr5-138887602-A-G. GRCh37 (hg19) VCF-style: chr5-138223291-A-G.
Other names: c.1256A>G, p.Tyr419Cys (NM_001290307.3, NM_001323982.2, NM_001323983.1 and 3 more transcripts); c.947A>G, p.Tyr316Cys (NM_001290309.3); c.887A>G, p.Tyr296Cys (NM_001290310.3); c.146A>G, p.Tyr49Cys (NM_001290312.1, NM_001323987.1, NM_001323988.1 and 18 more transcripts); c.-252A>G (NM_001324006.1, NM_001324007.1, NM_001324008.1 and 1 more transcripts); c.-127A>G (NM_001324013.1); c.-58+12005A>G (NM_001324012.1); c.-61+12005A>G (NM_001324010.1); short protein forms Y316C, Y419C, Y49C, Y296C.
Identifiers: ClinVar variation 1997484 (VCV001997484.4), dbSNP rs2533015828, ClinGen allele CA361133187.